The following is an entry in ClinVar:

ClinVar aggregate classification (germline): Likely benign (1 of 4 stars; one submission).

gnomAD v4.1: 4 of 1,583,404 alleles (0.00025%); highest among the groups gnomAD compares: East Asian, 0.0023%; no homozygotes.

Submission:

CeGaT Center for Human Genetics Tuebingen
Classification: Likely benign. Last evaluated: 2023-08-01. Review status: criteria provided, single submitter. Criteria: CeGaT Center For Human Genetics Tuebingen Variant Classification Criteria Version 2. Collection method: clinical testing. Allele origin: germline. Affected: yes. Observed: 1 variant allele.
Comment: KIF1C: BP4, BP7

NM_006612.6(KIF1C):c.3240A>C (p.Pro1080=)

Gene: KIF1C (kinesin family member 1C; plus strand). Cytogenetic location: 17p13.2.
Variant type: single nucleotide variant.
Coding change: c.3240A>C on transcript NM_006612.6 (MANE Select); coding-DNA position 3240, A replaced by C.
Protein change: p.Pro1080=; no amino-acid change (proline 1080 retained).
Molecular consequence: synonymous variant.
Genome position (GRCh38, 1-based): chr17:5,024,079, A>C. VCF-style: chr17-5024079-A-C. GRCh37 (hg19) VCF-style: chr17-4927374-A-C.
Identifiers: ClinVar variation 2647287 (VCV002647287.24), dbSNP rs1443699859, ClinGen allele CA497674001.